The following is an entry in ClinVar:

NM_013262.4(MYLIP):c.985G>A (p.Ala329Thr)

Gene: MYLIP (myosin regulatory light chain interacting protein; plus strand). Cytogenetic location: 6p22.3.
Variant type: single nucleotide variant.
Coding change: c.985G>A on transcript NM_013262.4 (MANE Select); coding-DNA position 985, G replaced by A.
Protein change: p.Ala329Thr; replaces alanine 329 with threonine.
Molecular consequence: missense variant.
Genome position (GRCh38, 1-based): chr6:16,145,054, G>A. VCF-style: chr6-16145054-G-A. GRCh37 (hg19) VCF-style: chr6-16145285-G-A.
Other names: short protein forms A329T.
Identifiers: ClinVar variation 3616994 (VCV003616994.2).

ClinVar aggregate classification (germline): Uncertain significance (1 of 4 stars; one submission).

gnomAD v4.1: 1 of 1,614,082 alleles (0.000062%); highest among the groups gnomAD compares: Admixed American, 0.0017%; no homozygotes.

Submission:

Labcorp Genetics (formerly Invitae), Labcorp
Classification: Uncertain significance. Last evaluated: 2024-03-01. Review status: criteria provided, single submitter. Criteria: Invitae Variant Classification Sherloc (09022015). Collection method: clinical testing. Allele origin: germline.
Comment: This sequence change replaces alanine, which is neutral and non-polar, with threonine, which is neutral and polar, at codon 329 of the MYLIP protein (p.Ala329Thr). This variant is present in population databases (rs772709118, gnomAD 0.0008%). This variant has not been reported in the literature in individuals affected with MYLIP-related conditions. An algorithm developed to predict the effect of missense changes on protein structure and function (PolyPhen-2) suggests that this variant is likely to be tolerated. In summary, the available evidence is currently insufficient to determine the role of this variant in disease. Therefore, it has been classified as a Variant of Uncertain Significance.